The following is an entry in ClinVar:

NM_001308093.3(GATA4):c.466G>T (p.Gly156Cys)

Gene: GATA4 (GATA binding protein 4). Cytogenetic location: 8p23.1.
Variant type: single nucleotide variant.
Coding change: c.466G>T on transcript NM_001308093.3 (MANE Select); coding-DNA position 466, G replaced by T.
Protein change: p.Gly156Cys; replaces glycine 156 with cysteine.
Molecular consequence: missense variant. On other transcripts: intron variant (3).
Genome position (GRCh38, 1-based): chr8:11,708,778, G>T. VCF-style: chr8-11708778-G-T. GRCh37 (hg19) VCF-style: chr8-11566287-G-T.
Other names: c.466G>T, p.Gly156Cys (NM_002052.5); c.-6+8000G>T (NM_001308094.2); c.-3+764G>T (NM_001374274.1); c.-3+4474G>T (NM_001374273.1); short protein forms G156C.
Identifiers: ClinVar variation 4999122 (VCV004999122.1).

ClinVar aggregate classification (germline): Uncertain significance (1 of 4 stars; one submission).

Conditions:
GATA4-related disorder. Also called: GATA4-related condition. Identifiers: MedGen CN860321.

Submission:

PreventionGenetics, part of Exact Sciences
Classification: Uncertain significance for GATA4-related condition. Last evaluated: 2025-07-08. Review status: criteria provided, single submitter. Criteria: ACMG Guidelines, 2015. Collection method: clinical testing. Allele origin: germline.
Comment: The GATA4 c.466G>T variant is predicted to result in the amino acid substitution p.Gly156Cys. To our knowledge, this variant has not been reported in the literature or in a large population database (gnomAD), indicating this variant is rare. At this time, the clinical significance of this variant is uncertain due to the absence of conclusive functional and genetic evidence.